The following is an entry in ClinVar:

ClinVar aggregate classification (germline): Uncertain significance (1 of 4 stars; one submission).

Conditions:
LRRC45-related disorder. Also called: LRRC45-related condition.

gnomAD v4.1: 1 of 1,574,466 alleles (0.000064%); highest among the groups gnomAD compares: East Asian, 0.0023%; no homozygotes.

Submission:

PreventionGenetics, part of Exact Sciences
Classification: Uncertain significance for LRRC45-related condition. Last evaluated: 2025-04-07. Review status: criteria provided, single submitter. Criteria: ACMG Guidelines, 2015. Collection method: clinical testing. Allele origin: germline.
Comment: The LRRC45 c.298G>A variant is predicted to result in the amino acid substitution p.Ala100Thr. To our knowledge, this variant has not been reported in the literature. This variant is reported in 0.0061% of alleles in individuals of East Asian descent in gnomAD. At this time, the clinical significance of this variant is uncertain due to the absence of conclusive functional and genetic evidence.

NM_144999.4(LRRC45):c.298G>A (p.Ala100Thr)

Gene: LRRC45 (leucine rich repeat containing 45; plus strand). Cytogenetic location: 17q25.3.
Variant type: single nucleotide variant.
Coding change: c.298G>A on transcript NM_144999.4 (MANE Select); coding-DNA position 298, G replaced by A.
Protein change: p.Ala100Thr; replaces alanine 100 with threonine.
Molecular consequence: missense variant.
Genome position (GRCh38, 1-based): chr17:82,024,708, G>A. VCF-style: chr17-82024708-G-A. GRCh37 (hg19) VCF-style: chr17-79982584-G-A.
Other names: short protein forms A100T.
Identifiers: ClinVar variation 5000200 (VCV005000200.1).